The following is an entry in ClinVar:

ClinVar aggregate classification (germline): Uncertain significance (1 of 4 stars; one submission).

Conditions:
Tuberous sclerosis 2 (TSC2). Identifiers: Orphanet 805, MedGen C1860707, MONDO:0013199, OMIM 613254.

Submission:

Labcorp Genetics (formerly Invitae), Labcorp
Classification: Uncertain significance for Tuberous sclerosis 2. Last evaluated: 2022-12-02. Review status: criteria provided, single submitter. Criteria: Invitae Variant Classification Sherloc (09022015). Collection method: clinical testing. Allele origin: germline.
Comment: This variant is not present in population databases (gnomAD no frequency). This variant has not been reported in the literature in individuals affected with TSC2-related conditions. Advanced modeling of protein sequence and biophysical properties (such as structural, functional, and spatial information, amino acid conservation, physicochemical variation, residue mobility, and thermodynamic stability) performed at Invitae indicates that this missense variant is not expected to disrupt TSC2 protein function. In summary, the available evidence is currently insufficient to determine the role of this variant in disease. Therefore, it has been classified as a Variant of Uncertain Significance. This sequence change replaces aspartic acid, which is acidic and polar, with glutamic acid, which is acidic and polar, at codon 1465 of the TSC2 protein (p.Asp1465Glu).

NM_000548.5(TSC2):c.4395C>G (p.Asp1465Glu)

Gene: TSC2 (TSC complex subunit 2; plus strand). Cytogenetic location: 16p13.3.
Variant type: single nucleotide variant.
Coding change: c.4395C>G on transcript NM_000548.5 (MANE Select); coding-DNA position 4395, C replaced by G.
Protein change: p.Asp1465Glu; replaces aspartic acid 1465 with glutamic acid.
Molecular consequence: missense variant. On other transcripts: non-coding transcript variant (5).
Genome position (GRCh38, 1-based): chr16:2,084,617, C>G. VCF-style: chr16-2084617-C-G. GRCh37 (hg19) VCF-style: chr16-2134618-C-G.
Other names: c.4194C>G, p.Asp1398Glu (NM_001077183.3); c.4326C>G, p.Asp1442Glu (NM_001114382.3); c.4047C>G, p.Asp1349Glu (NM_001406679.1); c.3795C>G, p.Asp1265Glu (NM_001406680.1); c.4266C>G, p.Asp1422Glu (NM_001370405.1, NM_021055.3); c.4392C>G, p.Asp1464Glu (NM_001406663.1); c.4323C>G, p.Asp1441Glu (NM_001406664.1); c.4086C>G, p.Asp1362Glu (NM_001318827.2); and 26 more; short protein forms D1199E, D1241E, D1242E, D1265E, D1394E, D1398E, D1428E, D864E.
Identifiers: ClinVar variation 2818081 (VCV002818081.3), dbSNP rs2151535121, ClinGen allele CA394301950.